The following is an entry in ClinVar:

NM_000298.6(PKLR):c.187G>A (p.Ala63Thr)

Gene: PKLR (pyruvate kinase L/R; minus strand). Cytogenetic location: 1q22.
Variant type: single nucleotide variant.
Coding change: c.187G>A on transcript NM_000298.6 (MANE Select); coding-DNA position 187, G replaced by A.
Protein change: p.Ala63Thr; replaces alanine 63 with threonine.
Molecular consequence: missense variant.
Genome position (GRCh38, 1-based): chr1:155,300,194, C>T on the plus strand (G>A on the coding strand, the complement: PKLR is on the minus strand). VCF-style: chr1-155300194-C-T. GRCh37 (hg19) VCF-style: chr1-155269985-C-T.
Other names: p.Ala63Thr; c.94G>A, p.Ala32Thr (NM_181871.4); short protein forms A32T, A63T.
Identifiers: ClinVar variation 1694032 (VCV001694032.10), dbSNP rs1165604977, ClinGen allele CA342758477.
Genomic context (GRCh38, chr1:155,300,194, plus strand): 5'-CGGGCTCGGAGTCAATGTCCAGTAGGCAGAGGTGTTCCAGGAAGGTGTCTGCCATAGCAG[C>T]TGGCAGCTGCTGCTGCTGGAAGAAGGCAGTGCCCAGCTCCTGGGTCAGTTGGGCCACACT-3'
Protein context (NP_000289.1, residues 53-73): TAFFQQQQLP[Ala63Thr]AMADTFLEHL

ClinVar aggregate classification (germline): Uncertain significance. Review status: criteria provided, multiple submitters, no conflicts (2 of 4 stars). 3 submissions from 3 submitters: Uncertain significance (3). Last evaluated 2025-03-06.

Allele frequency attached by ClinVar (database versions not stated): gnomAD 0.00001; gnomAD exomes 0.00001 and below 0.00001; TOPMed 0.00002.
gnomAD v4.1: 5 of 1,613,806 alleles (0.00031%); highest among the groups gnomAD compares: Admixed American, 0.0017%; no homozygotes.

Submissions (3):

ARUP Laboratories, Molecular Genetics and Genomics, ARUP Laboratories
Classification: Uncertain significance. Last evaluated: 2025-03-06. Review status: criteria provided, single submitter. Criteria: ARUP Molecular Germline Variant Investigation Process 2024. Collection method: clinical testing. Allele origin: germline.
Comment: The PKLR c.187G>A; p.Ala63Thr variant (rs1165604977, ClinVar Variation ID; 1694032) is reported in the literature along with a second PKLR variant in one individual affected with pyruvate kinase deficiency (Bianchi 2020). This variant is only observed on one allele in the Genome Aggregation Database (v2.1.1), indicating it is not a common polymorphism. Computational analyses are uncertain whether this variant is neutral or deleterious (REVEL: 0.653). Due to limited information, the clinical significance of this variant is uncertain at this time. References: Bianchi P et al. Genotype-phenotype correlation and molecular heterogeneity in pyruvate kinase deficiency. Am J Hematol. 2020 May. PMID: 32043619

Revvity Omics, Revvity
Classification: Uncertain significance. Last evaluated: 2023-08-01. Review status: criteria provided, single submitter. Criteria: ACMG Guidelines, 2015. Collection method: clinical testing. Allele origin: germline.

Mayo Clinic Laboratories, Mayo Clinic
Classification: Uncertain significance. Last evaluated: 2021-04-13. Review status: criteria provided, single submitter. Criteria: ACMG Guidelines, 2015. Collection method: clinical testing. Allele origin: germline.